The following is an entry in ClinVar:

ClinVar aggregate classification (germline): Uncertain significance (1 of 4 stars; one submission).

Conditions:
Symmetrical dyschromatosis of extremities (DSH). Also called: DYSCHROMATOSIS SYMMETRICA HEREDITARIA 1; RETICULATE ACROPIGMENTATION OF DOHI; SYMMETRIC DYSCHROMATOSIS OF THE EXTREMITIES; Dyschromatosis symmetrica hereditaria. Identifiers: Orphanet 41, MedGen C0406775, MONDO:0007483, OMIM 127400.

Submission:

Juno Genomics, Hangzhou Juno Genomics, Inc
Classification: Uncertain significance for Symmetrical dyschromatosis of extremities. Review status: criteria provided, single submitter. Criteria: ACMG Guidelines, 2015. Collection method: clinical testing. Allele origin: germline. Affected: yes.
Comment: Absent from controls (or at extremely low frequency if recessive) in Genome Aggregation Database.;Multiple lines of computational evidence support a deleterious effect on the gene or gene product.;Missense variant in a gene that has a low rate of benign missense variation.;Patient's phenotype or family history is highly specific for a disease with a single genetic etiology.

NM_001111.5(ADAR):c.3626G>A (p.Gly1209Glu)

Gene: ADAR (adenosine deaminase RNA specific; minus strand). Cytogenetic location: 1q21.3.
Variant type: single nucleotide variant.
Coding change: c.3626G>A on transcript NM_001111.5 (MANE Select); coding-DNA position 3626, G replaced by A.
Protein change: p.Gly1209Glu; replaces glycine 1209 with glutamic acid.
Molecular consequence: missense variant.
Genome position (GRCh38, 1-based): chr1:154,584,861, C>T on the plus strand (G>A on the coding strand, the complement: ADAR is on the minus strand). VCF-style: chr1-154584861-C-T. GRCh37 (hg19) VCF-style: chr1-154557337-C-T.
Other names: c.2741G>A, p.Gly914Glu (NM_001025107.3, NM_001193495.2, NM_001365046.1 and 2 more transcripts); c.3653G>A, p.Gly1218Glu (NM_001365045.1); c.2663G>A, p.Gly888Glu (NM_001365049.1); c.3548G>A, p.Gly1183Glu (NM_015840.4); c.3491G>A, p.Gly1164Glu (NM_015841.4); short protein forms G1164E, G1183E, G1209E, G1218E, G888E, G914E.
Identifiers: ClinVar variation 5018534 (VCV005018534.1).